The following is an entry in ClinVar:

ClinVar aggregate classification (germline): Uncertain significance (1 of 4 stars; one submission).

Submission:

GeneDx
Classification: Uncertain significance. Last evaluated: 2025-03-12. Review status: criteria provided, single submitter. Criteria: GeneDx Variant Classification Process June 2021. Collection method: clinical testing. Allele origin: germline. Affected: yes.
Comment: Not observed at significant frequency in large population cohorts (gnomAD); In silico analysis indicates that this missense variant does not alter protein structure/function; Has not been previously published as pathogenic or benign to our knowledge

NM_014795.4(ZEB2):c.1306A>T (p.Met436Leu)

Gene: ZEB2 (zinc finger E-box binding homeobox 2; minus strand). Cytogenetic location: 2q22.3.
Variant type: single nucleotide variant.
Coding change: c.1306A>T on transcript NM_014795.4 (MANE Select); coding-DNA position 1306, A replaced by T.
Protein change: p.Met436Leu; replaces methionine 436 with leucine.
Molecular consequence: missense variant.
Genome position (GRCh38, 1-based): chr2:144,399,881, T>A on the plus strand (A>T on the coding strand, the complement: ZEB2 is on the minus strand). VCF-style: chr2-144399881-T-A. GRCh37 (hg19) VCF-style: chr2-145157448-T-A.
Other names: c.1234A>T, p.Met412Leu (NM_001171653.2); short protein forms M412L, M436L.
Identifiers: ClinVar variation 4083115 (VCV004083115.1).